The following is an entry in ClinVar:

NM_001287.6(CLCN7):c.213+5G>C

Gene: CLCN7 (Cl-/H+ antiporter 7; minus strand). Cytogenetic location: 16p13.3.
Variant type: single nucleotide variant.
Coding change: c.213+5G>C on transcript NM_001287.6 (MANE Select); 5 bases into the intron after coding-DNA position 213, G replaced by C.
Molecular consequence: intron variant.
Genome position (GRCh38, 1-based): chr16:1,465,262, C>G on the plus strand (G>C on the coding strand, the complement: CLCN7 is on the minus strand). VCF-style: chr16-1465262-C-G. GRCh37 (hg19) VCF-style: chr16-1515263-C-G.
Other names: c.142-3588G>C (NM_001114331.3).
Identifiers: ClinVar variation 4983886 (VCV004983886.1).

ClinVar aggregate classification (germline): Uncertain significance (1 of 4 stars; one submission).

Conditions:
CLCN7-related disorder. Also called: CLCN7-related condition.

gnomAD v4.1: 4 of 1,613,374 alleles (0.00025%); highest among the groups gnomAD compares: Non-Finnish European, 0.00034%; no homozygotes.

Submission:

PreventionGenetics, part of Exact Sciences
Classification: Uncertain significance for CLCN7-related condition. Last evaluated: 2025-01-27. Review status: criteria provided, single submitter. Criteria: ACMG Guidelines, 2015. Collection method: clinical testing. Allele origin: germline.
Comment: The CLCN7 c.213+5G>C variant is predicted to interfere with splicing. This variant is predicted to alter splicing based on available splicing prediction programs (SpliceAI, Jaganathan et al. 2019. PubMed ID: 30661751). However, the use of computer prediction programs is not equivalent to functional evidence. To our knowledge, this variant has not been reported in the literature. This variant is reported in 0.00088% of alleles in individuals of European (Non-Finnish) descent in gnomAD. Although we suspect that this variant may be pathogenic, at this time, the clinical significance of this variant is uncertain due to the absence of conclusive functional and genetic evidence.